The following is an entry in ClinVar:

ClinVar aggregate classification (germline): Uncertain significance (1 of 4 stars; one submission).

Conditions:
Primary ciliary dyskinesia. Also called: Ciliary dyskinesia. Identifiers: Orphanet 244, MedGen C0008780, MONDO:0016575, HP:0012265.

Allele frequency attached by ClinVar (database versions not stated): ExAC 0.00001; ESP Exome Variant Server 0.00008.
gnomAD v4.1: 4 of 1,613,658 alleles (0.00025%); highest among the groups gnomAD compares: Non-Finnish European, 0.00025%; no homozygotes.

Submission:

Ambry Genetics
Classification: Uncertain significance for Primary ciliary dyskinesia. Last evaluated: 2022-08-16. Review status: criteria provided, single submitter. Criteria: Ambry Variant Classification Scheme 2023. Collection method: clinical testing. Allele origin: germline.
Comment: The p.P2127L variant (also known as c.6380C>T), located in coding exon 38 of the DNAH11 gene, results from a C to T substitution at nucleotide position 6380. The proline at codon 2127 is replaced by leucine, an amino acid with similar properties. This amino acid position is conserved. In addition, this alteration is predicted to be tolerated by in silico analysis. Since supporting evidence is limited at this time, the clinical significance of this alteration remains unclear.

NM_001277115.2(DNAH11):c.6380C>T (p.Pro2127Leu)

Gene: DNAH11 (dynein axonemal heavy chain 11; plus strand). Cytogenetic location: 7p15.3.
Variant type: single nucleotide variant.
Coding change: c.6380C>T on transcript NM_001277115.2 (MANE Select); coding-DNA position 6380, C replaced by T.
Protein change: p.Pro2127Leu; replaces proline 2127 with leucine.
Molecular consequence: missense variant.
Genome position (GRCh38, 1-based): chr7:21,704,540, C>T. VCF-style: chr7-21704540-C-T. GRCh37 (hg19) VCF-style: chr7-21744158-C-T.
Other names: c.6401C>T, p.Pro2134Leu (NM_003777.3); short protein forms P2127L, P2134L.
Identifiers: ClinVar variation 1753174 (VCV001753174.2), dbSNP rs368090876, ClinGen allele CA4180800.